The following is an entry in ClinVar:

ClinVar aggregate classification (germline): Uncertain significance (1 of 4 stars; one submission).

Conditions:
Ataxia-telangiectasia syndrome (AT). Also called: LOUIS-BAR SYNDROME; Cerebello-oculocutaneous telangiectasia; Immunodeficiency with ataxia telangiectasia; Ataxia telangiectasia (A-T); Ataxia-telangiectasia, complementation group D; AT, COMPLEMENTATION GROUP C. Identifiers: Orphanet 100, MedGen C0004135, MONDO:0008840, OMIM 208900.

Submission:

Labcorp Genetics (formerly Invitae), Labcorp
Classification: Uncertain significance for Ataxia-telangiectasia syndrome. Last evaluated: 2022-11-04. Review status: criteria provided, single submitter. Criteria: Invitae Variant Classification Sherloc (09022015). Collection method: clinical testing. Allele origin: germline.
Comment: In summary, the available evidence is currently insufficient to determine the role of this variant in disease. Therefore, it has been classified as a Variant of Uncertain Significance. Experimental studies and prediction algorithms are not available or were not evaluated, and the functional significance of this variant is currently unknown. This variant has not been reported in the literature in individuals affected with ATM-related conditions. This variant is not present in population databases (gnomAD no frequency). This variant, c.9030_9032del, results in the deletion of 1 amino acid(s) of the ATM protein (p.Met3011del), but otherwise preserves the integrity of the reading frame.

NM_000051.4(ATM):c.9030_9032del (p.Met3011del)

Genes: ATM (ATM serine/threonine kinase; plus strand), C11orf65 (chromosome 11 open reading frame 65; minus strand). Cytogenetic location: 11q22.3.
Variant type: Deletion.
Coding change: c.9030_9032del on transcript NM_000051.4 (MANE Select); coding-DNA positions 9030 to 9032, 3 bases deleted (AAT; older notation c.9030_9032delAAT).
Protein change: p.Met3011del; deletes methionine 3011.
Molecular consequence: inframe deletion. On other transcripts: intron variant (2).
Genome position (GRCh38, 1-based): chr11:108,365,367-108,365,369, AAT deleted; deleting any 3 consecutive bases within chr11:108,365,366-108,365,369 gives the same sequence; the c. name uses the placement nearest the transcript's 3' end. VCF-style (leftmost placement, unchanged base first): chr11-108365365-TTAA-T. GRCh37 (hg19) VCF-style: chr11-108236092-TTAA-T.
Other names: c.9030_9032del, p.Met3011del (NM_001351834.2); c.640+20552_640+20554del (NM_001330368.2); c.694+20552_694+20554del (NM_001351110.2); short protein forms M3011del.
Identifiers: ClinVar variation 2812167 (VCV002812167.3), dbSNP rs2547683460, ClinGen allele CA2739266003.